The following is an entry in ClinVar:

ClinVar aggregate classification (germline): Uncertain significance (1 of 4 stars; one submission).

Allele frequency attached by ClinVar (database versions not stated): gnomAD exomes below 0.00001; TOPMed 0.00002.
gnomAD v4.1: 7 of 1,583,372 alleles (0.00044%); highest among the groups gnomAD compares: East Asian, 0.0022%; no homozygotes.

Submission:

Labcorp Genetics (formerly Invitae), Labcorp
Classification: Uncertain significance. Last evaluated: 2023-12-18. Review status: criteria provided, single submitter. Criteria: Invitae Variant Classification Sherloc (09022015). Collection method: clinical testing. Allele origin: germline.
Comment: This sequence change replaces threonine, which is neutral and polar, with methionine, which is neutral and non-polar, at codon 135 of the DVL3 protein (p.Thr135Met). The frequency data for this variant in the population databases is considered unreliable, as metrics indicate poor data quality at this position in the gnomAD database. This variant has not been reported in the literature in individuals affected with DVL3-related conditions. ClinVar contains an entry for this variant (Variation ID: 1407911). Advanced modeling of protein sequence and biophysical properties (such as structural, functional, and spatial information, amino acid conservation, physicochemical variation, residue mobility, and thermodynamic stability) performed at Invitae indicates that this missense variant is not expected to disrupt DVL3 protein function with a negative predictive value of 80%. In summary, the available evidence is currently insufficient to determine the role of this variant in disease. Therefore, it has been classified as a Variant of Uncertain Significance.

NM_004423.4(DVL3):c.404C>T (p.Thr135Met)

Gene: DVL3 (dishevelled segment polarity protein 3; plus strand). Cytogenetic location: 3q27.1.
Variant type: single nucleotide variant.
Coding change: c.404C>T on transcript NM_004423.4 (MANE Select); coding-DNA position 404, C replaced by T.
Protein change: p.Thr135Met; replaces threonine 135 with methionine.
Molecular consequence: missense variant.
Genome position (GRCh38, 1-based): chr3:184,164,542, C>T. VCF-style: chr3-184164542-C-T. GRCh37 (hg19) VCF-style: chr3-183882330-C-T.
Other names: short protein forms T135M.
Identifiers: ClinVar variation 1407911 (VCV001407911.8), dbSNP rs1242944154, ClinGen allele CA355403906.
Genomic context (GRCh38, chr3:184,164,542, plus strand): 5'-TTCCCTGCAGCCCTCATGCTGGTGGGGGCAGCCAGGAGAACCTGGACAATGACACAGAGA[C>T]GGACTCTTTGGTGTCTGCCCAGCGAGAGCGGCCACGCCGGAGGGATGGCCCAGAGCATGG-3'
Protein context (NP_004414.3, residues 125-145): SQENLDNDTE[Thr135Met]DSLVSAQRER